The following is an entry in ClinVar:

ClinVar aggregate classification (germline): Likely benign. Review status: reviewed by expert panel (3 of 4 stars). 2 submissions from 2 submitters: Likely benign (1). 1 of the submissions does not count toward it. Last evaluated 2026-10-23.

Conditions:
Alexander disease (ALXDRD). Also called: Alexander's disease. Identifiers: Orphanet 58, MedGen C0270726, MONDO:0008752, OMIM 203450.

Allele frequency attached by ClinVar (database versions not stated): gnomAD exomes 0.00003 and 0.00004; ExAC 0.00004; gnomAD 0.00004 and 0.00005; TOPMed 0.00005.

Submissions (2):

ClinGen Leukodystrophy and Leukoencephalopathy Variant Curation Expert Panel, ClinGen
Classification: Likely benign for Alexander disease. Last evaluated: 2026-10-23. Review status: reviewed by expert panel. Criteria: ClinGen Leuko ACMG Specifications GFAP V1.0. Collection method: curation. Allele origin: germline. Inheritance: Autosomal dominant inheritance.
Comment: The c.377G>A variant in GFAP is a missense variant predicted to cause substitution of arginine by glutamine at amino acid 126 (p.Arg126Gln). The GrpMax filtering allele frequency in gnomAD v4.1.0 is 0.00005137 from the South Asian genetic ancestry group (the lower threshold of the 95% CI of 50/1613728 alleles), which is higher than the ClinGen Leukodystrophy and Leukoencephalopathy VCEP threshold (>0.00001) for BS1, and therefore meets this criterion (BS1). This variant has not been reported in any probands/families meeting phenotypic criteria for Alexander disease. There is no conflicting evidence for this variant. In summary, this variant meets the criteria to be classified as likely benign for Alexander disease based on the ACMG/AMP criteria applied, as specified by the ClinGen Leukodystrophy and Leukoencephalopathy Expert Panel Specifications to the ACMG/AMP Variant Interpretation Guidelines for GFAP Version 1.0.0): BS1.

Labcorp Genetics (formerly Invitae), Labcorp
Classification: Uncertain significance. Last evaluated: 2025-12-03. Review status: criteria provided, single submitter. Criteria: Invitae Variant Classification Sherloc (09022015). Collection method: clinical testing. Allele origin: germline. Not counted in ClinVar's aggregate classification.
Comment: This sequence change replaces arginine, which is basic and polar, with glutamine, which is neutral and polar, at codon 126 of the GFAP protein (p.Arg126Gln). This variant is present in population databases (rs777820983, gnomAD 0.02%). This variant has not been reported in the literature in individuals affected with GFAP-related conditions. ClinVar contains an entry for this variant (Variation ID: 1487674). Invitae Evidence Modeling of protein sequence and biophysical properties (such as structural, functional, and spatial information, amino acid conservation, physicochemical variation, residue mobility, and thermodynamic stability) indicates that this missense variant is not expected to disrupt GFAP protein function with a negative predictive value of 95%. In summary, the available evidence is currently insufficient to determine the role of this variant in disease. Therefore, it has been classified as a Variant of Uncertain Significance.

NM_002055.5(GFAP):c.377G>A (p.Arg126Gln)

Gene: GFAP (glial fibrillary acidic protein; minus strand). Cytogenetic location: 17q21.31.
Variant type: single nucleotide variant.
Coding change: c.377G>A on transcript NM_002055.5 (MANE Select); coding-DNA position 377, G replaced by A.
Protein change: p.Arg126Gln; replaces arginine 126 with glutamine.
Molecular consequence: missense variant.
Genome position (GRCh38, 1-based): chr17:44,915,110, C>T on the plus strand (G>A on the coding strand, the complement: GFAP is on the minus strand). VCF-style: chr17-44915110-C-T. GRCh37 (hg19) VCF-style: chr17-42992478-C-T.
Other names: NM_002055.5(GFAP):c.377G>A; p.Arg126Gln; c.377G>A, p.Arg126Gln (NM_001131019.3, NM_001242376.3, NM_001363846.2); short protein forms R126Q.
Identifiers: ClinVar variation 1487674 (VCV001487674.7), dbSNP rs777820983, ClinGen allele CA8609048.
Genomic context (GRCh38, chr17:44,915,110, plus strand): 5'-TGTGCCAGATTGTCCCTCTCAACCTCCAGCCGGGCGCTGTTGGCGGTGAGTTGATCGAGC[C>T]GCAGCCGCAGCTCTCGCAGCTCAGCCTGGTAGACGTCTGCCAGCTTGGTGGGCTCCTTGG-3'
Protein context (NP_002046.1, residues 116-136): YQAELRELRL[Arg126Gln]LDQLTANSAR